The following is an entry in ClinVar:

ClinVar aggregate classification (germline): Uncertain significance (1 of 4 stars; one submission).

Conditions:
Epileptic encephalopathy. Identifiers: MedGen C0543888, HP:0200134.

Submission:

Labcorp Genetics (formerly Invitae), Labcorp
Classification: Uncertain significance for Epileptic encephalopathy. Last evaluated: 2024-10-21. Review status: criteria provided, single submitter. Criteria: Invitae Variant Classification Sherloc (09022015). Collection method: clinical testing. Allele origin: germline.
Comment: This sequence change replaces glutamic acid, which is acidic and polar, with lysine, which is basic and polar, at codon 91 of the GABBR2 protein (p.Glu91Lys). This variant is not present in population databases (gnomAD no frequency). This variant has not been reported in the literature in individuals affected with GABBR2-related conditions. ClinVar contains an entry for this variant (Variation ID: 1018831). Invitae Evidence Modeling of protein sequence and biophysical properties (such as structural, functional, and spatial information, amino acid conservation, physicochemical variation, residue mobility, and thermodynamic stability) indicates that this missense variant is not expected to disrupt GABBR2 protein function with a negative predictive value of 80%. In summary, the available evidence is currently insufficient to determine the role of this variant in disease. Therefore, it has been classified as a Variant of Uncertain Significance.

NM_005458.8(GABBR2):c.271G>A (p.Glu91Lys)

Gene: GABBR2 (gamma-aminobutyric acid type B receptor subunit 2; minus strand). Cytogenetic location: 9q22.33.
Variant type: single nucleotide variant.
Coding change: c.271G>A on transcript NM_005458.8 (MANE Select); coding-DNA position 271, G replaced by A.
Protein change: p.Glu91Lys; replaces glutamic acid 91 with lysine.
Molecular consequence: missense variant.
Genome position (GRCh38, 1-based): chr9:98,708,467, C>T on the plus strand (G>A on the coding strand, the complement: GABBR2 is on the minus strand). VCF-style: chr9-98708467-C-T. GRCh37 (hg19) VCF-style: chr9-101470749-C-T.
Other names: short protein forms E91K.
Identifiers: ClinVar variation 1018831 (VCV001018831.8), dbSNP rs1830931663, ClinGen allele CA374212331.